The following is an entry in ClinVar:

ClinVar aggregate classification (germline): Uncertain significance (1 of 4 stars; one submission).

Conditions:
Cardiovascular phenotype. Identifiers: MedGen CN230736.

Submission:

Ambry Genetics
Classification: Uncertain significance for Cardiovascular phenotype. Last evaluated: 2025-05-14. Review status: criteria provided, single submitter. Criteria: Ambry Variant Classification Scheme 2023. Collection method: clinical testing. Allele origin: germline.
Comment: The p.L358V variant (also known as c.1072T>G), located in coding exon 9 of the ABCA1 gene, results from a T to G substitution at nucleotide position 1072. The leucine at codon 358 is replaced by valine, an amino acid with highly similar properties. This amino acid position is conserved. In addition, the in silico prediction for this alteration is inconclusive. Based on the available evidence, the clinical significance of this variant remains unclear.

NM_005502.4(ABCA1):c.1072T>G (p.Leu358Val)

Gene: ABCA1 (ATP binding cassette subfamily A member 1; minus strand). Cytogenetic location: 9q31.1.
Variant type: single nucleotide variant.
Coding change: c.1072T>G on transcript NM_005502.4 (MANE Select); coding-DNA position 1072, T replaced by G.
Protein change: p.Leu358Val; replaces leucine 358 with valine.
Molecular consequence: missense variant.
Genome position (GRCh38, 1-based): chr9:104,837,550, A>C on the plus strand (T>G on the coding strand, the complement: ABCA1 is on the minus strand). VCF-style: chr9-104837550-A-C. GRCh37 (hg19) VCF-style: chr9-107599831-A-C.
Other names: short protein forms L358V.
Identifiers: ClinVar variation 3935819 (VCV003935819.1).